The following is an entry in ClinVar:

NM_001321350.2(LRRC37B):c.1737C>G (p.Leu579=)

Gene: LRRC37B (leucine rich repeat containing 37B; plus strand). Cytogenetic location: 17q11.2.
Variant type: single nucleotide variant.
Coding change: c.1737C>G on transcript NM_001321350.2 (MANE Select); coding-DNA position 1737, C replaced by G.
Protein change: p.Leu579=; no amino-acid change (leucine 579 retained).
Molecular consequence: synonymous variant.
Genome position (GRCh38, 1-based): chr17:32,034,916, C>G. VCF-style: chr17-32034916-C-G. GRCh37 (hg19) VCF-style: chr17-30361935-C-G.
Other names: c.1983C>G, p.Leu661= (NM_052888.3).
Identifiers: ClinVar variation 2647657 (VCV002647657.24), dbSNP rs112535435, ClinGen allele CA8490423.
Genomic context (GRCh38, chr17:32,034,916, plus strand): 5'-TGCAGTTTCACACATTGAAAATGCAGGTAATTTTAATTTCATTGCATTTTTCAGAATTCT[C>G]AATCGCAATCCTCTGACTACTGTCGAAGATCCATATCTCTTTGAACTGCCGGCATTAAAA-3'
Protein context (NP_001308279.1, residues 569-589): HGMQFLHNLI[Leu579=]NRNPLTTVED

ClinVar aggregate classification (germline): Likely benign (1 of 4 stars; one submission).

Allele frequency attached by ClinVar (database versions not stated): 1000 Genomes Project 30x 0.00031; 1000 Genomes Project 0.00040; ExAC 0.00092; TOPMed 0.00094; ESP Exome Variant Server 0.00100.
gnomAD v4.1: 1,717 of 1,610,342 alleles (0.11%); highest among the groups gnomAD compares: Non-Finnish European, 0.12%; 4 homozygotes.

Submission:

CeGaT Center for Human Genetics Tuebingen
Classification: Likely benign. Last evaluated: 2023-03-01. Review status: criteria provided, single submitter. Criteria: CeGaT Center For Human Genetics Tuebingen Variant Classification Criteria Version 2. Collection method: clinical testing. Allele origin: germline. Affected: yes. Observed: 1 variant allele.
Comment: LRRC37B: BP4, BP7